The following is an entry in ClinVar:

ClinVar aggregate classification (germline): Uncertain significance (1 of 4 stars; one submission).

Conditions:
Cardiovascular phenotype. Identifiers: MedGen CN230736.

Submission:

Ambry Genetics
Classification: Uncertain significance for Cardiovascular phenotype. Last evaluated: 2023-10-15. Review status: criteria provided, single submitter. Criteria: Ambry Variant Classification Scheme 2023. Collection method: clinical testing. Allele origin: germline.
Comment: The p.S3273F variant (also known as c.9818C>T), located in coding exon 41 of the AKAP9 gene, results from a C to T substitution at nucleotide position 9818. The serine at codon 3273 is replaced by phenylalanine, an amino acid with highly dissimilar properties. This amino acid position is conserved. In addition, this alteration is predicted to be tolerated by in silico analysis. Since supporting evidence is limited at this time, the clinical significance of this alteration remains unclear.

NM_005751.5(AKAP9):c.9818C>T (p.Ser3273Phe)

Gene: AKAP9 (A-kinase anchoring protein 9; plus strand). Cytogenetic location: 7q21.2.
Variant type: single nucleotide variant.
Coding change: c.9818C>T on transcript NM_005751.5 (MANE Select); coding-DNA position 9818, C replaced by T.
Protein change: p.Ser3273Phe; replaces serine 3273 with phenylalanine.
Molecular consequence: missense variant.
Genome position (GRCh38, 1-based): chr7:92,096,777, C>T. VCF-style: chr7-92096777-C-T. GRCh37 (hg19) VCF-style: chr7-91726091-C-T.
Other names: c.4463C>T, p.Ser1488Phe (NM_001379277.1); c.9794C>T, p.Ser3265Phe (NM_147185.3); short protein forms S1488F, S3265F, S3273F.
Identifiers: ClinVar variation 3225115 (VCV003225115.1), dbSNP rs2535299380, ClinGen allele CA368151547.